The following is an entry in ClinVar:

ClinVar aggregate classification (germline): Uncertain significance (1 of 4 stars; one submission).

Submission:

Labcorp Genetics (formerly Invitae), Labcorp
Classification: Uncertain significance. Last evaluated: 2025-01-11. Review status: criteria provided, single submitter. Criteria: Invitae Variant Classification Sherloc (09022015). Collection method: clinical testing. Allele origin: germline.
Comment: This sequence change replaces proline, which is neutral and non-polar, with alanine, which is neutral and non-polar, at codon 416 of the RAI1 protein (p.Pro416Ala). This variant is not present in population databases (gnomAD no frequency). This variant has not been reported in the literature in individuals affected with RAI1-related conditions. Invitae Evidence Modeling of protein sequence and biophysical properties (such as structural, functional, and spatial information, amino acid conservation, physicochemical variation, residue mobility, and thermodynamic stability) indicates that this missense variant is not expected to disrupt RAI1 protein function with a negative predictive value of 80%. In summary, the available evidence is currently insufficient to determine the role of this variant in disease. Therefore, it has been classified as a Variant of Uncertain Significance.

NM_030665.4(RAI1):c.1246C>G (p.Pro416Ala)

Gene: RAI1 (retinoic acid induced 1; plus strand). Cytogenetic location: 17p11.2.
Variant type: single nucleotide variant.
Coding change: c.1246C>G on transcript NM_030665.4 (MANE Select); coding-DNA position 1246, C replaced by G.
Protein change: p.Pro416Ala; replaces proline 416 with alanine.
Molecular consequence: missense variant.
Genome position (GRCh38, 1-based): chr17:17,794,194, C>G. VCF-style: chr17-17794194-C-G. GRCh37 (hg19) VCF-style: chr17-17697508-C-G.
Other names: short protein forms P416A.
Identifiers: ClinVar variation 3691280 (VCV003691280.2).